The following is an entry in ClinVar:

NM_001378615.1(CC2D2A):c.2899A>G (p.Ile967Val)

Genes: CC2D2A (coiled-coil and C2 domain containing 2A; plus strand), FBXL5 (F-box and leucine rich repeat protein 5; minus strand). Cytogenetic location: 4p15.32.
Variant type: single nucleotide variant.
Coding change: c.2899A>G on transcript NM_001378615.1 (MANE Select); coding-DNA position 2899, A replaced by G.
Protein change: p.Ile967Val; replaces isoleucine 967 with valine.
Molecular consequence: missense variant.
Genome position (GRCh38, 1-based): chr4:15,559,234, A>G. VCF-style: chr4-15559234-A-G. GRCh37 (hg19) VCF-style: chr4-15560857-A-G.
Other names: c.2899A>G, p.Ile967Val (NM_001080522.2); c.2752A>G, p.Ile918Val (NM_001378617.1); short protein forms I918V, I967V.
Identifiers: ClinVar variation 1053256 (VCV001053256.9), dbSNP rs895053103, ClinGen allele CA92511430.

ClinVar aggregate classification (germline): Uncertain significance (1 of 4 stars; one submission).

Conditions:
Joubert syndrome. Also called: JOUBERT-BOLTSHAUSER SYNDROME; Familial aplasia of the vermis. Identifiers: Orphanet 475, MedGen C5979921, MONDO:0018772.
Meckel-Gruber syndrome. Also called: Dysencephalia splachnocystica; DYSENCEPHALIA SPLANCHNOCYSTICA; GRUBER SYNDROME. Identifiers: Orphanet 564, MedGen C0265215, MONDO:0018921.

Allele frequency attached by ClinVar (database versions not stated): gnomAD exomes 0.00001.
gnomAD v4.1: 3 of 1,552,810 alleles (0.00019%); highest among the groups gnomAD compares: South Asian, 0.0036%; no homozygotes.

Submission:

Labcorp Genetics (formerly Invitae), Labcorp
Classification: Uncertain significance for Joubert syndrome; Meckel-Gruber syndrome. Last evaluated: 2022-02-04. Review status: criteria provided, single submitter. Criteria: Invitae Variant Classification Sherloc (09022015). Collection method: clinical testing. Allele origin: germline.
Comment: This sequence change replaces isoleucine, which is neutral and non-polar, with valine, which is neutral and non-polar, at codon 967 of the CC2D2A protein (p.Ile967Val). This variant is not present in population databases (gnomAD no frequency). This variant has not been reported in the literature in individuals affected with CC2D2A-related conditions. ClinVar contains an entry for this variant (Variation ID: 1053256). Algorithms developed to predict the effect of missense changes on protein structure and function output the following: SIFT: "Tolerated"; PolyPhen-2: "Benign"; Align-GVGD: "Class C0". The valine amino acid residue is found in multiple mammalian species, which suggests that this missense change does not adversely affect protein function. In summary, the available evidence is currently insufficient to determine the role of this variant in disease. Therefore, it has been classified as a Variant of Uncertain Significance.